The following is an entry in ClinVar:

NM_138348.6(OTULIN):c.865-160dup

Gene: OTULIN (OTU deubiquitinase with linear linkage specificity; plus strand). Cytogenetic location: 5p15.2.
Variant type: Duplication.
Coding change: c.865-160dup on transcript NM_138348.6 (MANE Select); 160 bases into the intron before coding-DNA position 865, one base duplicated (T; older notation c.865-160dupT).
Molecular consequence: intron variant.
Genome position (GRCh38, 1-based): chr5:14,692,694, T duplicated; the last of 15 consecutive T bases (chr5:14,692,680-14,692,694); duplicating any one gives the same sequence. VCF-style (leftmost placement, unchanged base first): chr5-14692679-C-CT. GRCh37 (hg19) VCF-style: chr5-14692788-C-CT.
Identifiers: ClinVar variation 2628160 (VCV002628160.2), dbSNP rs33978265, ClinGen allele CA114014210.

ClinVar aggregate classification (germline): Benign (1 of 4 stars; one submission).

Submission:

Unidad de Genómica Garrahan, Hospital de Pediatría Garrahan
Classification: Benign. Last evaluated: 2023-11-12. Review status: criteria provided, single submitter. Criteria: ACMG Guidelines, 2015. Collection method: clinical testing. Allele origin: germline. Affected: no. Observed: 53 variant alleles.
Comment: This variant is classified as Benign based on local population frequency. This variant was detected in 55% of patients studied by a panel of primary immunodeficiencies. Number of patients: 53. Only high quality variants are reported.